The following is an entry in ClinVar:

NM_005732.4(RAD50):c.2831T>A (p.Leu944Gln)

Gene: RAD50 (RAD50 double strand break repair protein; plus strand). Cytogenetic location: 5q31.1.
Variant type: single nucleotide variant.
Coding change: c.2831T>A on transcript NM_005732.4 (MANE Select); coding-DNA position 2831, T replaced by A.
Protein change: p.Leu944Gln; replaces leucine 944 with glutamine.
Molecular consequence: missense variant.
Genome position (GRCh38, 1-based): chr5:132,609,118, T>A. VCF-style: chr5-132609118-T-A. GRCh37 (hg19) VCF-style: chr5-131944810-T-A.
Other names: short protein forms L944Q.
Identifiers: ClinVar variation 1718360 (VCV001718360.6), dbSNP rs2479370907, ClinGen allele CA360959345.

ClinVar aggregate classification (germline): Uncertain significance (1 of 4 stars; one submission).

Conditions:
Hereditary cancer-predisposing syndrome. Also called: Hereditary neoplastic syndrome; Neoplastic Syndromes, Hereditary; Hereditary Cancer Syndrome; Tumor predisposition. Identifiers: Orphanet 140162, MedGen C0027672, MeSH D009386, MONDO:0015356.

Submission:

Labcorp Genetics (formerly Invitae), Labcorp
Classification: Uncertain significance for Hereditary cancer-predisposing syndrome. Last evaluated: 2022-08-30. Review status: criteria provided, single submitter. Criteria: Invitae Variant Classification Sherloc (09022015). Collection method: clinical testing. Allele origin: germline.
Comment: This sequence change replaces leucine, which is neutral and non-polar, with glutamine, which is neutral and polar, at codon 944 of the RAD50 protein (p.Leu944Gln). This variant is not present in population databases (gnomAD no frequency). This variant has not been reported in the literature in individuals affected with RAD50-related conditions. Algorithms developed to predict the effect of missense changes on protein structure and function are either unavailable or do not agree on the potential impact of this missense change (SIFT: "Deleterious"; PolyPhen-2: "Benign"; Align-GVGD: "Class C0"). Algorithms developed to predict the effect of sequence changes on RNA splicing suggest that this variant may create or strengthen a splice site. In summary, the available evidence is currently insufficient to determine the role of this variant in disease. Therefore, it has been classified as a Variant of Uncertain Significance.